The following is an entry in ClinVar:

NM_152618.3(BBS12):c.1787A>C (p.Gln596Pro)

Gene: BBS12 (Bardet-Biedl syndrome 12; plus strand). Cytogenetic location: 4q27.
Variant type: single nucleotide variant.
Coding change: c.1787A>C on transcript NM_152618.3 (MANE Select); coding-DNA position 1787, A replaced by C.
Protein change: p.Gln596Pro; replaces glutamine 596 with proline.
Molecular consequence: missense variant.
Genome position (GRCh38, 1-based): chr4:122,743,679, A>C. VCF-style: chr4-122743679-A-C. GRCh37 (hg19) VCF-style: chr4-123664834-A-C.
Other names: c.1787A>C, p.Gln596Pro (NM_001178007.2); short protein forms Q596P.
Identifiers: ClinVar variation 4813594 (VCV004813594.1).

ClinVar aggregate classification (germline): Uncertain significance (1 of 4 stars; one submission).

Conditions:
Bardet-Biedl syndrome 12 (BBS12). Identifiers: Orphanet 110, MedGen C1859570, MONDO:0014440, OMIM 615989.

Submission:

Mendelics
Classification: Uncertain significance for Bardet-Biedl syndrome 12. Last evaluated: 2026-03-05. Review status: criteria provided, single submitter. Criteria: ACMG Guidelines, 2015. Collection method: clinical testing. Allele origin: unknown.
Comment: The available evidence is insufficient to conclusively determine the role of this variant. Therefore, it is classified as a Variant of Uncertain Significance.